The following is an entry in ClinVar:

NM_001291415.2(KDM6A):c.444-7C>T

Gene: KDM6A (lysine demethylase 6A; plus strand). Cytogenetic location: Xp11.3.
Variant type: single nucleotide variant.
Coding change: c.444-7C>T on transcript NM_001291415.2 (MANE Select); 7 bases into the intron before coding-DNA position 444, C replaced by T.
Molecular consequence: intron variant.
Genome position (GRCh38, 1-based): chrX:45,020,603, C>T. VCF-style: chrX-45020603-C-T. GRCh37 (hg19) VCF-style: chrX-44879848-C-T.
Other names: c.444-7C>T (NM_021140.4, NM_001291416.2, NM_001291417.2 and 1 more transcripts); c.-190+9584C>T (NM_001291421.2).
Identifiers: ClinVar variation 724704 (VCV000724704.10), dbSNP rs375045349, ClinGen allele CA10392194.

ClinVar aggregate classification (germline): Benign/Likely benign. Review status: criteria provided, multiple submitters, no conflicts (2 of 4 stars). 2 submissions from 2 submitters: Benign (1); Likely benign (1). Last evaluated 2025-06-18.

Conditions:
Kabuki syndrome 2 (KABUK2). Also called: KDM6A-Related Kabuki Syndrome. Identifiers: Orphanet 2322, MedGen C3275495, MONDO:0010465, OMIM 300867.

Allele frequency attached by ClinVar (database versions not stated): gnomAD exomes 0.00005 and 0.00018; gnomAD 0.00006 and 0.00008; TOPMed 0.00006; ExAC 0.00007; ESP Exome Variant Server 0.00009.
gnomAD v4.1: 207 of 1,205,904 alleles (0.017%); highest among the groups gnomAD compares: Non-Finnish European, 0.022%; no homozygotes.

Submissions (2):

Labcorp Genetics (formerly Invitae), Labcorp
Classification: Benign for Kabuki syndrome 2. Last evaluated: 2025-06-18. Review status: criteria provided, single submitter. Criteria: Invitae Variant Classification Sherloc (09022015). Collection method: clinical testing. Allele origin: germline.

GeneDx
Classification: Likely benign. Last evaluated: 2021-06-22. Review status: criteria provided, single submitter. Criteria: GeneDx Variant Classification Process June 2021. Collection method: clinical testing. Allele origin: germline. Affected: yes.
Comment: See Variant Classification Assertion Criteria.